The following is an entry in ClinVar:

NM_032229.3(SLITRK6):c.633G>A (p.Leu211=)

Gene: SLITRK6 (SLIT and NTRK like family member 6; minus strand). Cytogenetic location: 13q31.1.
Variant type: single nucleotide variant.
Coding change: c.633G>A on transcript NM_032229.3 (MANE Select); coding-DNA position 633, G replaced by A.
Protein change: p.Leu211=; no amino-acid change (leucine 211 retained).
Molecular consequence: synonymous variant.
Genome position (GRCh38, 1-based): chr13:85,795,876, C>T on the plus strand (G>A on the coding strand, the complement: SLITRK6 is on the minus strand). VCF-style: chr13-85795876-C-T. GRCh37 (hg19) VCF-style: chr13-86370011-C-T.
Other names: c.633G>A (NM_032229.2).
Identifiers: ClinVar variation 1514391 (VCV001514391.10), dbSNP rs369585013, ClinGen allele CA7015247.

ClinVar aggregate classification (germline): Likely benign. Review status: criteria provided, single submitter (1 of 4 stars). 2 submissions from 2 submitters: Likely benign (1). 1 of the submissions does not count toward it. Last evaluated 2023-07-17.

Conditions:
SLITRK6-related disorder. Also called: SLITRK6-related condition.

Allele frequency attached by ClinVar (database versions not stated): gnomAD exomes 0.00001 and 0.00002; TOPMed 0.00001; ExAC 0.00002; ESP Exome Variant Server 0.00008.

Submissions (2):

Labcorp Genetics (formerly Invitae), Labcorp
Classification: Likely benign. Last evaluated: 2023-07-17. Review status: criteria provided, single submitter. Criteria: Invitae Variant Classification Sherloc (09022015). Collection method: clinical testing. Allele origin: germline.

PreventionGenetics, part of Exact Sciences
Classification: Likely benign for SLITRK6-related condition. Last evaluated: 2019-09-06. Review status: no assertion criteria provided. Collection method: clinical testing. Allele origin: germline. Not counted in ClinVar's aggregate classification.
Comment: This variant is classified as likely benign based on ACMG/AMP sequence variant interpretation guidelines (Richards et al. 2015 PMID: 25741868, with internal and published modifications).